The following is an entry in ClinVar:

ClinVar aggregate classification (germline): Uncertain significance. Review status: criteria provided, multiple submitters, no conflicts (2 of 4 stars). 3 submissions from 3 submitters: Uncertain significance (3). Last evaluated 2021-09-13.

Conditions:
Hereditary breast ovarian cancer syndrome. Also called: BRCA1- and BRCA2-Associated Hereditary Breast and Ovarian Cancer; Hereditary breast and ovarian cancer syndrome; Hereditary breast and ovarian cancer; Hereditary breast and ovarian cancer syndrome (HBOC); Breast and ovarian cancer; Hereditary breast and/or ovarian cancer syndrome. Identifiers: Orphanet 145, MedGen C0677776, MeSH D061325, MONDO:0003582. Disease mechanism: loss of function.
Hereditary cancer-predisposing syndrome. Also called: Neoplastic Syndromes, Hereditary; Tumor predisposition; Hereditary Cancer Syndrome; Hereditary neoplastic syndrome. Identifiers: Orphanet 140162, MedGen C0027672, MeSH D009386, MONDO:0015356.

Submissions (3):

Ambry Genetics
Classification: Uncertain significance for Hereditary cancer-predisposing syndrome. Last evaluated: 2021-09-13. Review status: criteria provided, single submitter. Criteria: Ambry Variant Classification Scheme 2023. Collection method: clinical testing. Allele origin: germline.
Comment: The p.G160V variant (also known as c.479G>T), located in coding exon 6 of the BRCA1 gene, results from a G to T substitution at nucleotide position 479. The glycine at codon 160 is replaced by valine, an amino acid with dissimilar properties. This amino acid position is highly conserved in available vertebrate species. In addition, this alteration is predicted to be deleterious by in silico analysis. Since supporting evidence is limited at this time, the clinical significance of this alteration remains unclear.

Labcorp Genetics (formerly Invitae), Labcorp
Classification: Uncertain significance for Hereditary breast ovarian cancer syndrome. Last evaluated: 2020-03-09. Review status: criteria provided, single submitter. Criteria: Invitae Variant Classification Sherloc (09022015). Collection method: clinical testing. Allele origin: germline.
Comment: In summary, the available evidence is currently insufficient to determine the role of this variant in disease. Therefore, it has been classified as a Variant of Uncertain Significance. Algorithms developed to predict the effect of sequence changes on RNA splicing suggest that this variant may create or strengthen a splice site, but this prediction has not been confirmed by published transcriptional studies. Algorithms developed to predict the effect of missense changes on protein structure and function are either unavailable or do not agree on the potential impact of this missense change (SIFT: "Tolerated"; PolyPhen-2: "Benign"; Align-GVGD: "Class C0"). This variant has not been reported in the literature in individuals with BRCA1-related conditions. This variant is not present in population databases (ExAC no frequency). This sequence change replaces glycine with valine at codon 160 of the BRCA1 protein (p.Gly160Val). The glycine residue is moderately conserved and there is a moderate physicochemical difference between glycine and valine.

Color Diagnostics, LLC DBA Color Health
Classification: Uncertain significance for Hereditary cancer-predisposing syndrome. Last evaluated: 2019-09-26. Review status: criteria provided, single submitter. Criteria: ACMG Guidelines, 2015. Collection method: clinical testing. Allele origin: germline.
Comment: This missense variant replaces glycine with valine at codon 160 of the BRCA1 protein. Computational prediction tool is inconclusive regarding the impact of this variant on protein structure and function (internally defined REVEL score threshold 0.5 < inconclusive < 0.7, PMID: 27666373). Splice site prediction tools suggest that this variant may not impact RNA splicing. To our knowledge, functional studies have not been performed for this variant. This variant has not been reported in individuals affected with hereditary cancer in the literature. This variant has not been identified in the general population by the Genome Aggregation Database (gnomAD). The available evidence is insufficient to determine the role of this variant in disease conclusively. Therefore, this variant is classified as a Variant of Uncertain Significance.

NM_007294.4(BRCA1):c.479G>T (p.Gly160Val)

Gene: BRCA1 (BRCA1 DNA repair associated; minus strand). Cytogenetic location: 17q21.31.
Variant type: single nucleotide variant.
Coding change: c.479G>T on transcript NM_007294.4 (MANE Select); coding-DNA position 479, G replaced by T.
Protein change: p.Gly160Val; replaces glycine 160 with valine.
Molecular consequence: missense variant. On other transcripts: non-coding transcript variant (1).
Genome position (GRCh38, 1-based): chr17:43,099,843, C>A on the plus strand (G>T on the coding strand, the complement: BRCA1 is on the minus strand). VCF-style: chr17-43099843-C-A. GRCh37 (hg19) VCF-style: chr17-41251860-C-A.
Other names: c.338G>T, p.Gly113Val (NM_001407736.1, NM_001407737.1, NM_001407738.1 and 61 more transcripts); c.479G>T, p.Gly160Val (NM_001408426.1, NM_001408427.1, NM_001408429.1 and 97 more transcripts); c.335G>T, p.Gly112Val (NM_001407741.1, NM_001407740.1, NM_001407742.1 and 35 more transcripts); c.476G>T, p.Gly159Val (NM_001408431.1, NM_001408432.1, NM_001408433.1 and 65 more transcripts); c.266G>T, p.Gly89Val (NM_001407571.1, NM_001407853.1, NM_001407894.1 and 18 more transcripts); c.98G>T, p.Gly33Val (NM_001407959.1, NM_001407960.1, NM_001407963.1 and 3 more transcripts); c.95G>T, p.Gly32Val (NM_001407962.1); c.470G>T, p.Gly157Val (NM_001407646.1, NM_001407647.1, NM_001408408.1); and 4 more; short protein forms G160V, G113V, G112V, G133V, G33V, G90V, G134V, G159V.
Identifiers: ClinVar variation 919142 (VCV000919142.15), dbSNP rs1016051167, ClinGen allele CA10601179.
Genomic context (GRCh38, chr17:43,099,843, plus strand): 5'-ATGTAGACAGACGTCTTTTGAGGTTGTATCCGCTGCTTTGTCCTCAGAGTTCTCACAGTT[C>A]CAAGGTTAGAGAGTTGGACACTGAGACTGGTTTCCTGCTAAACAGTATGGTAAAGAACAG-3'
Protein context (NP_009225.1, residues 150-170): TSLSVQLSNL[Gly160Val]TVRTLRTKQR